The following is an entry in ClinVar:

ClinVar aggregate classification (germline): Pathogenic (1 of 4 stars; one submission).

Conditions:
Landau-Kleffner syndrome (FESD). Also called: EPILEPSY, FOCAL, WITH SPEECH DISORDER AND WITH OR WITHOUT MENTAL RETARDATION; APHASIA, ACQUIRED, WITH EPILEPSY. Identifiers: Orphanet 1945, Orphanet 725, Orphanet 98818, MedGen C0282512, MONDO:0009509, OMIM 245570.

Submission:

Labcorp Genetics (formerly Invitae), Labcorp
Classification: Pathogenic for Landau-Kleffner syndrome. Last evaluated: 2025-02-03. Review status: criteria provided, single submitter. Criteria: Invitae Variant Classification Sherloc (09022015). Collection method: clinical testing. Allele origin: germline.
Comment: This sequence change creates a premature translational stop signal (p.Lys270Argfs*13) in the GRIN2A gene. It is expected to result in an absent or disrupted protein product. Loss-of-function variants in GRIN2A are known to be pathogenic (PMID: 23933819, 23933820). This variant is not present in population databases (gnomAD no frequency). This variant has not been reported in the literature in individuals affected with GRIN2A-related conditions. ClinVar contains an entry for this variant (Variation ID: 2030507). For these reasons, this variant has been classified as Pathogenic.

Literature cited by the submitters: PubMed 23933819; PubMed 23933820.

NM_001134407.3(GRIN2A):c.809_810del (p.Lys270fs)

Gene: GRIN2A (glutamate ionotropic receptor NMDA type subunit 2A; minus strand). Cytogenetic location: 16p13.2.
Variant type: Deletion.
Coding change: c.809_810del on transcript NM_001134407.3 (MANE Select); coding-DNA positions 809 to 810, 2 bases deleted (AA; older notation c.809_810delAA).
Protein change: p.Lys270fs; shifts the reading frame from lysine 270.
Molecular consequence: frameshift variant.
Genome position (GRCh38, 1-based): chr16:9,938,156-9,938,157, TT deleted on the plus strand (AA on the coding strand, the reverse complement: GRIN2A is on the minus strand); deleting any 2 consecutive bases within chr16:9,938,156-9,938,159 gives the same sequence; the c. name uses the placement nearest the transcript's 3' end. VCF-style (leftmost placement, unchanged base first): chr16-9938155-CTT-C. GRCh37 (hg19) VCF-style: chr16-10032012-CTT-C.
Other names: c.809_810del, p.Lys270fs (NM_000833.5, NM_001134408.2); short protein forms K270fs.
Identifiers: ClinVar variation 2030507 (VCV002030507.4), dbSNP rs2543140979, ClinGen allele CA2580092105.
Genomic context (GRCh38, chr16:9,938,155, plus strand): 5'-TCGCCTCCAGGCTGTAGTCCCAGTCATCGTAGGAGACAGAAATGAGTCCCGATGGAAACT[CTT>C]TTGGGATGAGCTCCGTGTTCCCAGAGACCAAGCTGGGGACAATCCAGAAGAAATCATACC-3'